The following is an entry in ClinVar:

NM_007294.4(BRCA1):c.1861C>T (p.His621Tyr)

Gene: BRCA1 (BRCA1 DNA repair associated; minus strand). Cytogenetic location: 17q21.31.
Variant type: single nucleotide variant.
Coding change: c.1861C>T on transcript NM_007294.4 (MANE Select); coding-DNA position 1861, C replaced by T.
Protein change: p.His621Tyr; replaces histidine 621 with tyrosine.
Molecular consequence: missense variant. On other transcripts: intron variant (137).
Genome position (GRCh38, 1-based): chr17:43,093,670, G>A on the plus strand (C>T on the coding strand, the complement: BRCA1 is on the minus strand). VCF-style: chr17-43093670-G-A. GRCh37 (hg19) VCF-style: chr17-41245687-G-A.
Other names: c.1717C>T, p.His573Tyr (NM_001407846.1, NM_001407847.1, NM_001407848.1 and 20 more transcripts); c.1720C>T, p.His574Tyr (NM_001407852.1, NM_001407851.1, NM_001407850.1 and 29 more transcripts); c.1648C>T, p.His550Tyr (NM_001407853.1, NM_001407894.1, NM_001407895.1 and 9 more transcripts); c.1861C>T, p.His621Tyr (NM_001407854.1, NM_001407858.1, NM_001407859.1 and 30 more transcripts); c.1858C>T, p.His620Tyr (NM_001407860.1, NM_001407861.1, NM_001407587.1 and 22 more transcripts); c.1660C>T, p.His554Tyr (NM_001407862.1); c.1738C>T, p.His580Tyr (NM_001407863.1, NM_001407919.1, NM_001407937.1 and 19 more transcripts); c.1657C>T, p.His553Tyr (NM_001407874.1, NM_001407875.1); and 40 more; short protein forms H574Y, H621Y, H493Y, H551Y, H579Y, H325Y, H509Y, H510Y.
Identifiers: ClinVar variation 820206 (VCV000820206.16), dbSNP rs1597873711, ClinGen allele CA10598296.

ClinVar aggregate classification (germline): Conflicting classifications of pathogenicity. Review status: criteria provided, conflicting classifications (1 of 4 stars). 3 submissions from 3 submitters: Uncertain significance (2); Likely benign (1). Last evaluated 2024-12-10.

Conditions:
Hereditary cancer-predisposing syndrome. Also called: Neoplastic Syndromes, Hereditary; Tumor predisposition; Hereditary Cancer Syndrome; Hereditary neoplastic syndrome. Identifiers: Orphanet 140162, MedGen C0027672, MeSH D009386, MONDO:0015356.
Hereditary breast ovarian cancer syndrome. Also called: Hereditary breast and/or ovarian cancer syndrome; BRCA1- and BRCA2-Associated Hereditary Breast and Ovarian Cancer; Hereditary breast and ovarian cancer syndrome; Hereditary breast and ovarian cancer; Hereditary breast and ovarian cancer syndrome (HBOC); Breast and ovarian cancer. Identifiers: Orphanet 145, MedGen C0677776, MeSH D061325, MONDO:0003582. Disease mechanism: loss of function.

Submissions (3):

Ambry Genetics
Classification: Uncertain significance for Hereditary cancer-predisposing syndrome. Last evaluated: 2024-12-10. Review status: criteria provided, single submitter. Criteria: Ambry Variant Classification Scheme 2023. Collection method: clinical testing. Allele origin: germline.
Comment: The p.H621Y variant (also known as c.1861C>T), located in coding exon 9 of the BRCA1 gene, results from a C to T substitution at nucleotide position 1861. The histidine at codon 621 is replaced by tyrosine, an amino acid with similar properties. This amino acid position is not well conserved in available vertebrate species. In addition, the in silico prediction for this alteration is inconclusive. Since supporting evidence is limited at this time, the clinical significance of this alteration remains unclear.

Labcorp Genetics (formerly Invitae), Labcorp
Classification: Uncertain significance for Hereditary breast ovarian cancer syndrome. Last evaluated: 2023-03-26. Review status: criteria provided, single submitter. Criteria: Invitae Variant Classification Sherloc (09022015). Collection method: clinical testing. Allele origin: germline.
Comment: This variant has not been reported in the literature in individuals affected with BRCA1-related conditions. ClinVar contains an entry for this variant (Variation ID: 820206). Advanced modeling of protein sequence and biophysical properties (such as structural, functional, and spatial information, amino acid conservation, physicochemical variation, residue mobility, and thermodynamic stability) performed at Invitae indicates that this missense variant is not expected to disrupt BRCA1 protein function. This variant is not present in population databases (gnomAD no frequency). In summary, the available evidence is currently insufficient to determine the role of this variant in disease. Therefore, it has been classified as a Variant of Uncertain Significance. This sequence change replaces histidine, which is basic and polar, with tyrosine, which is neutral and polar, at codon 621 of the BRCA1 protein (p.His621Tyr).

University of Washington Department of Laboratory Medicine, University of Washington
Classification: Likely benign for Hereditary cancer-predisposing syndrome. Last evaluated: 2023-03-23. Review status: criteria provided, single submitter. Criteria: Dines et al. (Genet Med. 2020). Collection method: curation. Allele origin: germline.
Comment: Missense variant in a coldspot region where missense variants are very unlikely to be pathogenic (PMID:31911673).

BRCA1 coldspot (exon 11 using historical exon numbering). Reclassification based on statistical prior probability